The following is an entry in ClinVar:

NM_001130144.3(LTBP3):c.3190C>G (p.Pro1064Ala)

Genes: LTBP3 (latent transforming growth factor beta binding protein 3; minus strand), LOC121832793 (Sharpr-MPRA regulatory region 4001; plus strand). Cytogenetic location: 11q13.1.
Variant type: single nucleotide variant.
Coding change: c.3190C>G on transcript NM_001130144.3 (MANE Select); coding-DNA position 3190, C replaced by G.
Protein change: p.Pro1064Ala; replaces proline 1064 with alanine.
Molecular consequence: missense variant.
Genome position (GRCh38, 1-based): chr11:65,540,299, G>C on the plus strand (C>G on the coding strand, the complement: LTBP3 is on the minus strand). VCF-style: chr11-65540299-G-C. GRCh37 (hg19) VCF-style: chr11-65307770-G-C.
Other names: c.2839C>G, p.Pro947Ala (NM_001164266.1); c.3190C>G, p.Pro1064Ala (NM_021070.4); short protein forms P1064A, P947A.
Identifiers: ClinVar variation 3652819 (VCV003652819.2).

ClinVar aggregate classification (germline): Uncertain significance (1 of 4 stars; one submission).

Conditions:
Brachyolmia-amelogenesis imperfecta syndrome. Also called: PLATYSPONDYLY WITH AMELOGENESIS IMPERFECTA; Tooth agenesis, selective, 6; Dental anomalies and short stature. Identifiers: Orphanet 2899, MedGen C1832594, MONDO:0011018, OMIM 601216. Disease mechanism: loss of function.

Submission:

Labcorp Genetics (formerly Invitae), Labcorp
Classification: Uncertain significance for Brachyolmia-amelogenesis imperfecta syndrome. Last evaluated: 2024-05-09. Review status: criteria provided, single submitter. Criteria: Invitae Variant Classification Sherloc (09022015). Collection method: clinical testing. Allele origin: germline.
Comment: This sequence change replaces proline, which is neutral and non-polar, with alanine, which is neutral and non-polar, at codon 1064 of the LTBP3 protein (p.Pro1064Ala). This variant is not present in population databases (gnomAD no frequency). This variant has not been reported in the literature in individuals affected with LTBP3-related conditions. An algorithm developed to predict the effect of missense changes on protein structure and function (PolyPhen-2) suggests that this variant is likely to be tolerated. In summary, the available evidence is currently insufficient to determine the role of this variant in disease. Therefore, it has been classified as a Variant of Uncertain Significance.